The following is an entry in ClinVar:

NM_001319074.4(RAX2):c.-33T>C

Gene: RAX2 (retina and anterior neural fold homeobox 2; minus strand). Cytogenetic location: 19p13.3.
Variant type: single nucleotide variant.
Coding change: c.-33T>C on transcript NM_001319074.4 (MANE Select); 33 bases upstream of the start codon, T replaced by C.
Molecular consequence: 5 prime UTR variant. On other transcripts: intron variant (1).
Genome position (GRCh38, 1-based): chr19:3,771,775, A>G on the plus strand (T>C on the coding strand, the complement: RAX2 is on the minus strand). VCF-style: chr19-3771775-A-G. GRCh37 (hg19) VCF-style: chr19-3771773-A-G.
Other names: c.-9-24T>C (NM_032753.4).
Identifiers: ClinVar variation 3044535 (VCV003044535.2), dbSNP rs115886593, ClinGen allele CA9085156.

ClinVar aggregate classification (germline): Benign (0 of 4 stars; one submission).

Conditions:
RAX2-related disorder. Also called: RAX2-related disorders; RAX2-related condition.

Allele frequency attached by ClinVar (database versions not stated): gnomAD exomes 0.00059; ExAC 0.00323; ESP Exome Variant Server 0.00503; gnomAD 0.00641; TOPMed 0.00659; 1000 Genomes Project 0.00719; 1000 Genomes Project 30x 0.00781.
gnomAD v4.1: 1,835 of 1,556,966 alleles (0.12%); highest among the groups gnomAD compares: African/African-American, 2.2%; 16 homozygotes.

Submission:

PreventionGenetics, part of Exact Sciences
Classification: Benign for RAX2-related condition. Last evaluated: 2019-06-17. Review status: no assertion criteria provided. Collection method: clinical testing. Allele origin: germline.
Comment: This variant is classified as benign based on ACMG/AMP sequence variant interpretation guidelines (Richards et al. 2015 PMID: 25741868, with internal and published modifications).